The following is an entry in ClinVar:

ClinVar aggregate classification (germline): Uncertain significance (1 of 4 stars; one submission).

Conditions:
Norman-Roberts syndrome (LIS2). Also called: Lissencephaly 2 (Norman-Roberts type). Identifiers: Orphanet 89844, MedGen C0796089, MONDO:0009760, OMIM 257320.
Familial temporal lobe epilepsy 7. Identifiers: Orphanet 101046, MedGen C4225327, MONDO:0014639, OMIM 616436.

Submission:

Labcorp Genetics (formerly Invitae), Labcorp
Classification: Uncertain significance for Familial temporal lobe epilepsy 7; Norman-Roberts syndrome. Last evaluated: 2023-11-24. Review status: criteria provided, single submitter. Criteria: Invitae Variant Classification Sherloc (09022015). Collection method: clinical testing. Allele origin: germline.
Comment: This sequence change replaces glycine, which is neutral and non-polar, with arginine, which is basic and polar, at codon 2690 of the RELN protein (p.Gly2690Arg). This variant is not present in population databases (gnomAD no frequency). This variant has not been reported in the literature in individuals affected with RELN-related conditions. Advanced modeling of protein sequence and biophysical properties (such as structural, functional, and spatial information, amino acid conservation, physicochemical variation, residue mobility, and thermodynamic stability) performed at Invitae indicates that this missense variant is not expected to disrupt RELN protein function with a negative predictive value of 80%. In summary, the available evidence is currently insufficient to determine the role of this variant in disease. Therefore, it has been classified as a Variant of Uncertain Significance.

NM_005045.4(RELN):c.8068G>C (p.Gly2690Arg)

Gene: RELN (reelin; minus strand). Cytogenetic location: 7q22.1.
Variant type: single nucleotide variant.
Coding change: c.8068G>C on transcript NM_005045.4 (MANE Select); coding-DNA position 8068, G replaced by C.
Protein change: p.Gly2690Arg; replaces glycine 2690 with arginine.
Molecular consequence: missense variant.
Genome position (GRCh38, 1-based): chr7:103,515,236, C>G on the plus strand (G>C on the coding strand, the complement: RELN is on the minus strand). VCF-style: chr7-103515236-C-G. GRCh37 (hg19) VCF-style: chr7-103155683-C-G.
Other names: c.8068G>C, p.Gly2690Arg (NM_173054.3); short protein forms G2690R.
Identifiers: ClinVar variation 2953032 (VCV002953032.3), dbSNP rs201264902, ClinGen allele CA368762777.